The following is an entry in ClinVar:

ClinVar aggregate classification (germline): Uncertain significance. Review status: criteria provided, multiple submitters, no conflicts (2 of 4 stars). 2 submissions from 2 submitters: Uncertain significance (2). Last evaluated 2022-08-05.

Conditions:
Primary ciliary dyskinesia. Also called: Ciliary dyskinesia. Identifiers: Orphanet 244, MedGen C0008780, MONDO:0016575, HP:0012265.

Allele frequency attached by ClinVar (database versions not stated): ExAC 0.00003.
gnomAD v4.1: 20 of 1,613,972 alleles (0.0012%); highest among the groups gnomAD compares: Admixed American, 0.0067%; no homozygotes.

Submissions (2):

Labcorp Genetics (formerly Invitae), Labcorp
Classification: Uncertain significance for Primary ciliary dyskinesia. Last evaluated: 2022-08-05. Review status: criteria provided, single submitter. Criteria: Invitae Variant Classification Sherloc (09022015). Collection method: clinical testing. Allele origin: germline.
Comment: This sequence change replaces glutamic acid, which is acidic and polar, with glutamine, which is neutral and polar, at codon 16 of the RSPH4A protein (p.Glu16Gln). This variant is present in population databases (rs780975506, gnomAD 0.01%). This variant has not been reported in the literature in individuals affected with RSPH4A-related conditions. Algorithms developed to predict the effect of missense changes on protein structure and function output the following: SIFT: "Tolerated"; PolyPhen-2: "Benign"; Align-GVGD: "Class C0". The glutamine amino acid residue is found in multiple mammalian species, which suggests that this missense change does not adversely affect protein function. In summary, the available evidence is currently insufficient to determine the role of this variant in disease. Therefore, it has been classified as a Variant of Uncertain Significance.

Ambry Genetics
Classification: Uncertain significance for Primary ciliary dyskinesia. Last evaluated: 2015-01-07. Review status: criteria provided, single submitter. Criteria: Ambry Variant Classification Scheme 2023. Collection method: clinical testing. Allele origin: germline.
Comment: The p.E16Q variant (also known as c.46G>C), located in coding exon 1 of the RSPH4A gene, results from a G to C substitution at nucleotide position 46. The glutamic acid at codon 16 is replaced by glutamine, an amino acid with some highly similar properties. This variant was not reported in population based cohorts in the following databases: Database of Single Nucleotide Polymorphisms (dbSNP), NHLBI Exome Sequencing Project (ESP), and 1000 Genomes Project. In the ESP, this variant was not observed in 6503 samples (13006 alleles) with coverage at this position. This amino acid position is poorly conserved in available vertebrate species. In addition, this alteration is predicted to be tolerated by in silico analysis. Since supporting evidence is limited at this time, the clinical significance of this variant remains unclear.

NM_001010892.3(RSPH4A):c.46G>C (p.Glu16Gln)

Gene: RSPH4A (radial spoke head component 4A; plus strand). Cytogenetic location: 6q22.1.
Variant type: single nucleotide variant.
Coding change: c.46G>C on transcript NM_001010892.3 (MANE Select); coding-DNA position 46, G replaced by C.
Protein change: p.Glu16Gln; replaces glutamic acid 16 with glutamine.
Molecular consequence: missense variant.
Genome position (GRCh38, 1-based): chr6:116,616,669, G>C. VCF-style: chr6-116616669-G-C. GRCh37 (hg19) VCF-style: chr6-116937832-G-C.
Other names: c.46G>C, p.Glu16Gln (NM_001161664.2); short protein forms E16Q.
Identifiers: ClinVar variation 1742545 (VCV001742545.4), dbSNP rs780975506, ClinGen allele CA3970692.